The following is an entry in ClinVar:

NM_013432.5(TONSL):c.3858C>G (p.Asn1286Lys)

Gene: TONSL (tonsoku like, DNA repair protein; minus strand). Cytogenetic location: 8q24.3.
Variant type: single nucleotide variant.
Coding change: c.3858C>G on transcript NM_013432.5 (MANE Select); coding-DNA position 3858, C replaced by G.
Protein change: p.Asn1286Lys; replaces asparagine 1286 with lysine.
Molecular consequence: missense variant.
Genome position (GRCh38, 1-based): chr8:144,430,489, G>C on the plus strand (C>G on the coding strand, the complement: TONSL is on the minus strand). VCF-style: chr8-144430489-G-C. GRCh37 (hg19) VCF-style: chr8-145655872-G-C.
Other names: short protein forms N1286K.
Identifiers: ClinVar variation 1447319 (VCV001447319.5), dbSNP rs377688483, ClinGen allele CA4942349.
Genomic context (GRCh38, chr8:144,430,489, plus strand): 5'-TTGGGGCCGCTTTTGGAGGGTGGACAGGAGCTCTTCCAAGCTGGCACAGCTGATCTCAGG[G>C]TTGGCAGACAGATCCAGTGAGATGAGTGAGGGGCACAGAGAGAGACATCTGAGATAACAT-3'
Protein context (NP_038460.4, residues 1276-1296): PSLISLDLSA[Asn1286Lys]PEISCASLEE

ClinVar aggregate classification (germline): Uncertain significance (1 of 4 stars; one submission).

Allele frequency attached by ClinVar (database versions not stated): gnomAD 0.00001; TOPMed 0.00001; gnomAD exomes 0.00002; ExAC 0.00003; ESP Exome Variant Server 0.00008.
gnomAD v4.1: 17 of 1,613,460 alleles (0.0011%); highest among the groups gnomAD compares: Non-Finnish European, 0.0014%; no homozygotes.

Submission:

Labcorp Genetics (formerly Invitae), Labcorp
Classification: Uncertain significance. Last evaluated: 2022-04-17. Review status: criteria provided, single submitter. Criteria: Invitae Variant Classification Sherloc (09022015). Collection method: clinical testing. Allele origin: germline.
Comment: This sequence change replaces asparagine, which is neutral and polar, with lysine, which is basic and polar, at codon 1286 of the TONSL protein (p.Asn1286Lys). This variant is present in population databases (rs377688483, gnomAD 0.004%). This variant has not been reported in the literature in individuals affected with TONSL-related conditions. Algorithms developed to predict the effect of missense changes on protein structure and function are either unavailable or do not agree on the potential impact of this missense change (SIFT: "Tolerated"; PolyPhen-2: "Probably Damaging"; Align-GVGD: "Class C15"). Algorithms developed to predict the effect of sequence changes on RNA splicing suggest that this variant may disrupt the consensus splice site. In summary, the available evidence is currently insufficient to determine the role of this variant in disease. Therefore, it has been classified as a Variant of Uncertain Significance.